The following is an entry in ClinVar:

ClinVar aggregate classification (germline): Uncertain significance (1 of 4 stars; one submission).

Conditions:
Developmental and epileptic encephalopathy, 53. Also called: Epileptic encephalopathy, early infantile, 53. Identifiers: MedGen C4479313, MONDO:0033362, OMIM 617389.
Early-onset Parkinson disease 20. Also called: PARKINSON DISEASE 20, AUTOSOMAL RECESSIVE EARLY-ONSET. Identifiers: Orphanet 391411, MedGen C3809824, MONDO:0014233, OMIM 615530.

Submission:

Labcorp Genetics (formerly Invitae), Labcorp
Classification: Uncertain significance for Developmental and epileptic encephalopathy, 53; Early-onset Parkinson disease 20. Last evaluated: 2021-08-14. Review status: criteria provided, single submitter. Criteria: Invitae Variant Classification Sherloc (09022015). Collection method: clinical testing. Allele origin: germline.
Comment: This sequence change replaces phenylalanine with tyrosine at codon 964 of the SYNJ1 protein (p.Phe964Tyr). The phenylalanine residue is moderately conserved and there is a small physicochemical difference between phenylalanine and tyrosine. This variant is not present in population databases (ExAC no frequency). This variant has not been reported in the literature in individuals affected with SYNJ1-related conditions. Algorithms developed to predict the effect of missense changes on protein structure and function output the following: SIFT: "Tolerated"; PolyPhen-2: "Benign"; Align-GVGD: "Class C0". The tyrosine amino acid residue is found in multiple mammalian species, which suggests that this missense change does not adversely affect protein function. In summary, the available evidence is currently insufficient to determine the role of this variant in disease. Therefore, it has been classified as a Variant of Uncertain Significance.

NM_203446.3(SYNJ1):c.2774T>A (p.Phe925Tyr)

Gene: SYNJ1 (synaptojanin 1; minus strand). Cytogenetic location: 21q22.11.
Variant type: single nucleotide variant.
Coding change: c.2774T>A on transcript NM_203446.3 (MANE Select); coding-DNA position 2774, T replaced by A.
Protein change: p.Phe925Tyr; replaces phenylalanine 925 with tyrosine.
Molecular consequence: missense variant.
Genome position (GRCh38, 1-based): chr21:32,656,708, A>T on the plus strand (T>A on the coding strand, the complement: SYNJ1 is on the minus strand). VCF-style: chr21-32656708-A-T. GRCh37 (hg19) VCF-style: chr21-34029018-A-T.
Other names: c.2774T>A, p.Phe925Tyr (NM_001160302.2); c.2759T>A, p.Phe920Tyr (NM_001160306.2); c.2891T>A, p.Phe964Tyr (NM_003895.4); short protein forms F920Y, F925Y, F964Y.
Identifiers: ClinVar variation 1477639 (VCV001477639.5), dbSNP rs2145850802, ClinGen allele CA410073207.
Genomic context (GRCh38, chr21:32,656,708, plus strand): 5'-TATGAATCACAAGCTACTTTTGCATAATAAACATCTTACCTTATAAGTATAACTTCACCA[A>T]AACTTGCAAACTGCTGCAGAAGCTCATCAATCAAGGCATCATCAAAAAAATTATTTTCTG-3'
Protein context (NP_982271.3, residues 915-935): IDELLQQFAS[Phe925Tyr]GEVILIRFVE